The following is an entry in ClinVar:

ClinVar aggregate classification (germline): Benign/Likely benign. Review status: criteria provided, multiple submitters, no conflicts (2 of 4 stars). 3 submissions from 3 submitters: Benign (1); Likely benign (1). 1 of the submissions does not count toward it. Last evaluated 2026-01-27.

Conditions:
Inborn genetic diseases. Identifiers: MedGen C0950123, MeSH D030342.
CNOT3-related disorder. Also called: CNOT3-related condition.

Allele frequency attached by ClinVar (database versions not stated): gnomAD 0.00101; gnomAD exomes 0.00010; TOPMed 0.00103; ESP Exome Variant Server 0.00131; 1000 Genomes Project 30x 0.00047; ExAC 0.00034; 1000 Genomes Project 0.00060.
gnomAD v4.1: 319 of 1,613,496 alleles (0.02%); highest among the groups gnomAD compares: African/African-American, 0.36%; 1 homozygote.

Submissions (3):

Labcorp Genetics (formerly Invitae), Labcorp
Classification: Benign. Last evaluated: 2026-01-27. Review status: criteria provided, single submitter. Criteria: Invitae Variant Classification Sherloc (09022015). Collection method: clinical testing. Allele origin: germline.

Ambry Genetics
Classification: Likely benign for Inborn genetic diseases. Last evaluated: 2021-09-17. Review status: criteria provided, single submitter. Criteria: Ambry Variant Classification Scheme 2023. Collection method: clinical testing. Allele origin: germline.

PreventionGenetics, part of Exact Sciences
Classification: Likely benign for CNOT3-related condition. Last evaluated: 2020-11-02. Review status: no assertion criteria provided. Collection method: clinical testing. Allele origin: germline. Not counted in ClinVar's aggregate classification.
Comment: This variant is classified as likely benign based on ACMG/AMP sequence variant interpretation guidelines (Richards et al. 2015 PMID: 25741868, with internal and published modifications).

NM_014516.4(CNOT3):c.1471T>G (p.Ser491Ala)

Gene: CNOT3 (CCR4-NOT transcription complex subunit 3; plus strand). Cytogenetic location: 19q13.42.
Variant type: single nucleotide variant.
Coding change: c.1471T>G on transcript NM_014516.4 (MANE Select); coding-DNA position 1471, T replaced by G.
Protein change: p.Ser491Ala; replaces serine 491 with alanine.
Molecular consequence: missense variant.
Genome position (GRCh38, 1-based): chr19:54,149,624, T>G. VCF-style: chr19-54149624-T-G. GRCh37 (hg19) VCF-style: chr19-54653359-T-G.
Other names: short protein forms S491A.
Identifiers: ClinVar variation 1971451 (VCV001971451.8), dbSNP rs10416861, ClinGen allele CA309340004.